The following is an entry in ClinVar:

NM_004415.4(DSP):c.605T>G (p.Met202Arg)

Gene: DSP (desmoplakin; plus strand). Cytogenetic location: 6p24.3.
Variant type: single nucleotide variant.
Coding change: c.605T>G on transcript NM_004415.4 (MANE Select); coding-DNA position 605, T replaced by G.
Protein change: p.Met202Arg; replaces methionine 202 with arginine.
Molecular consequence: missense variant.
Genome position (GRCh38, 1-based): chr6:7,562,659, T>G. VCF-style: chr6-7562659-T-G. GRCh37 (hg19) VCF-style: chr6-7562892-T-G.
Other names: c.605T>G, p.Met202Arg (NM_001008844.3, NM_001319034.2, NM_001406591.1); short protein forms M202R.
Identifiers: ClinVar variation 3907709 (VCV003907709.1).
Genomic context (GRCh38, chr6:7,562,659, plus strand): 5'-CAGGTGCAAAGGGGCAACAACAAAGGGCGCCTCTCTTTGTCTTTGTGTCGCAGGCGGAGA[T>G]GGACATGGTGGCCTGGGGTGTGGACCTGGCCTCAGTGGAGCAGCACATTAACAGCCACCG-3'
Protein context (NP_004406.2, residues 192-212): LGWMRQQRAE[Met202Arg]DMVAWGVDLA

ClinVar aggregate classification (germline): Uncertain significance (1 of 4 stars; one submission).

Submission:

GeneDx
Classification: Uncertain significance. Last evaluated: 2024-12-30. Review status: criteria provided, single submitter. Criteria: GeneDx Variant Classification Process June 2021. Collection method: clinical testing. Allele origin: germline. Affected: yes.
Comment: Not observed at significant frequency in large population cohorts (gnomAD); In silico analysis supports that this missense variant has a deleterious effect on protein structure/function; Has not been previously published as pathogenic or benign to our knowledge